The following is an entry in ClinVar:

ClinVar aggregate classification (germline): Uncertain significance (1 of 4 stars; one submission).

gnomAD v4.1: 45 of 1,612,500 alleles (0.0028%); highest among the groups gnomAD compares: East Asian, 0.096%; no homozygotes.

Submission:

Labcorp Genetics (formerly Invitae), Labcorp
Classification: Uncertain significance. Last evaluated: 2022-08-22. Review status: criteria provided, single submitter. Criteria: Invitae Variant Classification Sherloc (09022015). Collection method: clinical testing. Allele origin: germline.
Comment: This sequence change replaces asparagine, which is neutral and polar, with serine, which is neutral and polar, at codon 100 of the PIGB protein (p.Asn100Ser). This variant is present in population databases (rs776524575, gnomAD 0.2%). This variant has not been reported in the literature in individuals affected with PIGB-related conditions. Algorithms developed to predict the effect of missense changes on protein structure and function output the following: SIFT: "Not Available"; PolyPhen-2: "Benign"; Align-GVGD: "Not Available". The serine amino acid residue is found in multiple mammalian species, which suggests that this missense change does not adversely affect protein function. In summary, the available evidence is currently insufficient to determine the role of this variant in disease. Therefore, it has been classified as a Variant of Uncertain Significance.

NM_004855.5(PIGB):c.299A>G (p.Asn100Ser)

Gene: PIGB (phosphatidylinositol glycan anchor biosynthesis class B; plus strand). Cytogenetic location: 15q21.3.
Variant type: single nucleotide variant.
Coding change: c.299A>G on transcript NM_004855.5 (MANE Select); coding-DNA position 299, A replaced by G.
Protein change: p.Asn100Ser; replaces asparagine 100 with serine.
Molecular consequence: missense variant.
Genome position (GRCh38, 1-based): chr15:55,320,410, A>G. VCF-style: chr15-55320410-A-G. GRCh37 (hg19) VCF-style: chr15-55612608-A-G.
Other names: short protein forms N100S.
Identifiers: ClinVar variation 2151286 (VCV002151286.1), dbSNP rs776524575, ClinGen allele CA7573800.